The following is an entry in ClinVar:

NM_002890.3(RASA1):c.53C>T (p.Ala18Val)

Gene: RASA1 (RAS p21 protein activator 1; plus strand). Cytogenetic location: 5q14.3.
Variant type: single nucleotide variant.
Coding change: c.53C>T on transcript NM_002890.3 (MANE Select); coding-DNA position 53, C replaced by T.
Protein change: p.Ala18Val; replaces alanine 18 with valine.
Molecular consequence: missense variant.
Genome position (GRCh38, 1-based): chr5:87,268,504, C>T. VCF-style: chr5-87268504-C-T. GRCh37 (hg19) VCF-style: chr5-86564321-C-T.
Other names: short protein forms A18V.
Identifiers: ClinVar variation 3430464 (VCV003430464.1).
Genomic context (GRCh38, chr5:87,268,504, plus strand): 5'-GCTTCAACATGATGGCGGCCGAGGCCGGCAGTGAGGAGGGCGGCCCGGTAACAGCCGGAG[C>T]TGGAGGAGGCGGCGCGGCAGCGGGCTCCAGTGCCTATCCCGCAGTGTGTCGGGTGAAGAT-3'
Protein context (NP_002881.1, residues 8-28): SEEGGPVTAG[Ala18Val]GGGGAAAGSS

ClinVar aggregate classification (germline): Uncertain significance (1 of 4 stars; one submission).

Conditions:
Cardiovascular phenotype. Identifiers: MedGen CN230736.

gnomAD v4.1: 3 of 1,569,464 alleles (0.00019%); highest among the groups gnomAD compares: Non-Finnish European, 0.00026%; no homozygotes.

Submission:

Ambry Genetics
Classification: Uncertain significance for Cardiovascular phenotype. Last evaluated: 2024-11-05. Review status: criteria provided, single submitter. Criteria: Ambry Variant Classification Scheme 2023. Collection method: clinical testing. Allele origin: germline.
Comment: The p.A18V variant (also known as c.53C>T), located in coding exon 1 of the RASA1 gene, results from a C to T substitution at nucleotide position 53. The alanine at codon 18 is replaced by valine, an amino acid with similar properties. This amino acid position is conserved. In addition, this alteration is predicted to be tolerated by in silico analysis. Based on the available evidence, the clinical significance of this variant remains unclear.